The following is an entry in ClinVar:

NM_012193.4(FZD4):c.607A>T (p.Lys203Ter)

Genes: FZD4 (frizzled class receptor 4; minus strand), PRSS23 (serine protease 23; plus strand). Cytogenetic location: 11q14.2.
Variant type: single nucleotide variant.
Coding change: c.607A>T on transcript NM_012193.4 (MANE Select); coding-DNA position 607, A replaced by T.
Protein change: p.Lys203Ter; replaces lysine 203 with a stop codon.
Molecular consequence: nonsense. On other transcripts: non-coding transcript variant (2).
Genome position (GRCh38, 1-based): chr11:86,952,149, T>A on the plus strand (A>T on the coding strand, the complement: FZD4 is on the minus strand). VCF-style: chr11-86952149-T-A. GRCh37 (hg19) VCF-style: chr11-86663191-T-A.
Other names: short protein forms K203*.
Identifiers: ClinVar variation 2005482 (VCV002005482.4), dbSNP rs2495868322, ClinGen allele CA382015339.

ClinVar aggregate classification (germline): Pathogenic (1 of 4 stars; one submission).

Submission:

Labcorp Genetics (formerly Invitae), Labcorp
Classification: Pathogenic. Last evaluated: 2022-06-13. Review status: criteria provided, single submitter. Criteria: Invitae Variant Classification Sherloc (09022015). Collection method: clinical testing. Allele origin: germline.
Comment: For these reasons, this variant has been classified as Pathogenic. This variant disrupts a region of the FZD4 protein in which other variant(s) (p.Gln505*) have been determined to be pathogenic (PMID: 15223780, 23077402). This suggests that this is a clinically significant region of the protein, and that variants that disrupt it are likely to be disease-causing. This variant has not been reported in the literature in individuals affected with FZD4-related conditions. This variant is not present in population databases (gnomAD no frequency). This sequence change creates a premature translational stop signal (p.Lys203*) in the FZD4 gene. While this is not anticipated to result in nonsense mediated decay, it is expected to disrupt the last 335 amino acid(s) of the FZD4 protein.

Literature cited by the submitters: PubMed 15223780; PubMed 23077402.